The following is an entry in ClinVar:

NM_007294.4(BRCA1):c.3129T>A (p.Asn1043Lys)

Gene: BRCA1 (BRCA1 DNA repair associated; minus strand). Cytogenetic location: 17q21.31.
Variant type: single nucleotide variant.
Coding change: c.3129T>A on transcript NM_007294.4 (MANE Select); coding-DNA position 3129, T replaced by A.
Protein change: p.Asn1043Lys; replaces asparagine 1043 with lysine.
Molecular consequence: missense variant. On other transcripts: intron variant (137).
Genome position (GRCh38, 1-based): chr17:43,092,402, A>T on the plus strand (T>A on the coding strand, the complement: BRCA1 is on the minus strand). VCF-style: chr17-43092402-A-T. GRCh37 (hg19) VCF-style: chr17-41244419-A-T.
Other names: c.575-1370T>A (NM_001408490.1, NM_001408491.1, NM_001408493.1); c.455-1370T>A (NM_001408502.1); c.578-1370T>A (NM_001408489.1, NM_001408479.1, NM_001408482.1 and 9 more transcripts); c.662-1370T>A (NM_001408445.1, NM_001408432.1, NM_001408450.1 and 6 more transcripts); c.668-1370T>A (NM_001408431.1, NM_001408424.1, NM_001408421.1); c.785-1370T>A (NM_001408407.1, NM_001408402.1, NM_001408473.1 and 13 more transcripts); c.665-1370T>A (NM_001408443.1, NM_001408439.1, NM_001408425.1 and 12 more transcripts); c.671-1370T>A (NM_001408419.1, NM_001408418.1, NM_001408422.1 and 2 more transcripts); and 41 more; short protein forms N1043K, N996K, N1001K, N1002K, N1017K, N954K, N995K, N875K.
Identifiers: ClinVar variation 1514451 (VCV001514451.11), dbSNP rs1555588339, ClinGen allele CA10595727.

ClinVar aggregate classification (germline): Conflicting classifications of pathogenicity. Review status: criteria provided, conflicting classifications (1 of 4 stars). 2 submissions from 2 submitters: Uncertain significance (1); Likely benign (1). Last evaluated 2023-03-23.

Conditions:
Hereditary breast ovarian cancer syndrome. Also called: Hereditary breast and/or ovarian cancer syndrome; Breast and ovarian cancer; Hereditary breast and ovarian cancer; BRCA1- and BRCA2-Associated Hereditary Breast and Ovarian Cancer; Hereditary breast and ovarian cancer syndrome; Hereditary breast and ovarian cancer syndrome (HBOC). Identifiers: Orphanet 145, MedGen C0677776, MeSH D061325, MONDO:0003582. Disease mechanism: loss of function.
Hereditary cancer-predisposing syndrome. Also called: Tumor predisposition; Neoplastic Syndromes, Hereditary; Hereditary neoplastic syndrome; Hereditary Cancer Syndrome. Identifiers: Orphanet 140162, MedGen C0027672, MeSH D009386, MONDO:0015356.

Submissions (2):

University of Washington Department of Laboratory Medicine, University of Washington
Classification: Likely benign for Hereditary cancer-predisposing syndrome. Last evaluated: 2023-03-23. Review status: criteria provided, single submitter. Criteria: Dines et al. (Genet Med. 2020). Collection method: curation. Allele origin: germline.
Comment: Missense variant in a coldspot region where missense variants are very unlikely to be pathogenic (PMID:31911673).

BRCA1 coldspot (exon 11 using historical exon numbering). Reclassification based on statistical prior probability

Labcorp Genetics (formerly Invitae), Labcorp
Classification: Uncertain significance for Hereditary breast ovarian cancer syndrome. Last evaluated: 2022-08-16. Review status: criteria provided, single submitter. Criteria: Invitae Variant Classification Sherloc (09022015). Collection method: clinical testing. Allele origin: germline.
Comment: This sequence change replaces asparagine, which is neutral and polar, with lysine, which is basic and polar, at codon 1043 of the BRCA1 protein (p.Asn1043Lys). In summary, the available evidence is currently insufficient to determine the role of this variant in disease. Therefore, it has been classified as a Variant of Uncertain Significance. Advanced modeling of protein sequence and biophysical properties (such as structural, functional, and spatial information, amino acid conservation, physicochemical variation, residue mobility, and thermodynamic stability) performed at Invitae indicates that this missense variant is not expected to disrupt BRCA1 protein function. ClinVar contains an entry for this variant (Variation ID: 1514451). This variant has not been reported in the literature in individuals affected with BRCA1-related conditions. This variant is not present in population databases (gnomAD no frequency).